The following is an entry in ClinVar:

NM_002709.3(PPP1CB):c.126G>A (p.Arg42=)

Gene: PPP1CB (protein phosphatase 1 catalytic subunit beta; plus strand). Cytogenetic location: 2p23.2.
Variant type: single nucleotide variant.
Coding change: c.126G>A on transcript NM_002709.3 (MANE Select); coding-DNA position 126, G replaced by A.
Protein change: p.Arg42=; no amino-acid change (arginine 42 retained).
Molecular consequence: synonymous variant.
Genome position (GRCh38, 1-based): chr2:28,776,924, G>A. VCF-style: chr2-28776924-G-A. GRCh37 (hg19) VCF-style: chr2-28999790-G-A.
Other names: c.126G>A (NM_206876.1); c.126G>A, p.Arg42= (NM_206876.2).
Identifiers: ClinVar variation 2650782 (VCV002650782.25), dbSNP rs1416950365, ClinGen allele CA425499333.

ClinVar aggregate classification (germline): Likely benign. Review status: criteria provided, multiple submitters, no conflicts (2 of 4 stars). 3 submissions from 3 submitters: Likely benign (2). 1 of the submissions does not count toward it. Last evaluated 2023-06-01.

Conditions:
PPP1CB-related disorder. Also called: PPP1CB-related condition.

Allele frequency attached by ClinVar (database versions not stated): gnomAD exomes 0.00001.
gnomAD v4.1: 3 of 1,613,702 alleles (0.00019%); highest among the groups gnomAD compares: Non-Finnish European, 0.00025%; no homozygotes.

Submissions (3):

CeGaT Center for Human Genetics Tuebingen
Classification: Likely benign. Last evaluated: 2023-06-01. Review status: criteria provided, single submitter. Criteria: CeGaT Center For Human Genetics Tuebingen Variant Classification Criteria Version 2. Collection method: clinical testing. Allele origin: germline. Affected: yes. Observed: 1 variant allele.
Comment: PPP1CB: BP4, BP7

Blueprint Genetics
Classification: Likely benign. Last evaluated: 2021-06-23. Review status: criteria provided, single submitter. Criteria: ACMG Guidelines, 2015. Collection method: clinical testing. Allele origin: germline.

PreventionGenetics, part of Exact Sciences
Classification: Likely benign for PPP1CB-related condition. Last evaluated: 2024-08-01. Review status: no assertion criteria provided. Collection method: clinical testing. Allele origin: germline. Not counted in ClinVar's aggregate classification.
Comment: This variant is classified as likely benign based on ACMG/AMP sequence variant interpretation guidelines (Richards et al. 2015 PMID: 25741868, with internal and published modifications).